The following is an entry in ClinVar:

ClinVar aggregate classification (germline): Uncertain significance (1 of 4 stars; one submission).

Conditions:
Cardiovascular phenotype. Identifiers: MedGen CN230736.

gnomAD v4.1: 2 of 1,550,246 alleles (0.00013%); highest among the groups gnomAD compares: Non-Finnish European, 0.00017%; no homozygotes.

Submission:

Ambry Genetics
Classification: Uncertain significance for Cardiovascular phenotype. Last evaluated: 2024-11-01. Review status: criteria provided, single submitter. Criteria: Ambry Variant Classification Scheme 2023. Collection method: clinical testing. Allele origin: germline.
Comment: The p.P1631T variant (also known as c.4891C>A), located in coding exon 2 of the ZNF469 gene, results from a C to A substitution at nucleotide position 4891. The proline at codon 1631 is replaced by threonine, an amino acid with highly similar properties. This amino acid position is conserved. In addition, this alteration is predicted to be tolerated by in silico analysis. Based on the available evidence, the clinical significance of this variant remains unclear.

NM_001367624.2(ZNF469):c.4975C>A (p.Pro1659Thr)

Gene: ZNF469 (zinc finger protein 469; plus strand). Cytogenetic location: 16q24.2.
Variant type: single nucleotide variant.
Coding change: c.4975C>A on transcript NM_001367624.2 (MANE Select); coding-DNA position 4975, C replaced by A.
Protein change: p.Pro1659Thr; replaces proline 1659 with threonine.
Molecular consequence: missense variant.
Genome position (GRCh38, 1-based): chr16:88,432,445, C>A. VCF-style: chr16-88432445-C-A. GRCh37 (hg19) VCF-style: chr16-88498853-C-A.
Other names: NM_001127464.1:c.4891C>A; short protein forms P1659T.
Identifiers: ClinVar variation 3476261 (VCV003476261.1).
Genomic context (GRCh38, chr16:88,432,445, plus strand): 5'-GGTGCGGAATCGGCTGTGGCCACCGTGGAAGCGGTTCAGGGGAGGCCTGGGGGGACGTGG[C>A]CCTGCCCAGCCTCCTTCCATCCGGGACATGCAGCCCTTCTCCCCTGTGCCCAGGAAGACC-3'
Protein context (NP_001354553.1, residues 1649-1669): AVQGRPGGTW[Pro1659Thr]CPASFHPGHA